The following is an entry in ClinVar:

ClinVar aggregate classification (germline): Uncertain significance (1 of 4 stars; one submission).

Conditions:
Inborn genetic diseases. Identifiers: MedGen C0950123, MeSH D030342.

Submission:

Ambry Genetics
Classification: Uncertain significance for Inborn genetic diseases. Last evaluated: 2026-08-07. Review status: criteria provided, single submitter. Criteria: Ambry Variant Classification Scheme 2023. Collection method: clinical testing. Allele origin: germline.
Comment: The p.L501R variant (also known as c.1502T>G), located in coding exon 7 of the SH2B3 gene, results from a T to G substitution at nucleotide position 1502. The leucine at codon 501 is replaced by arginine, an amino acid with dissimilar properties. This amino acid position is conserved. In addition, this alteration is predicted to be tolerated by in silico analysis. Based on the available evidence, the clinical significance of this variant remains unclear.

NM_005475.3(SH2B3):c.1502T>G (p.Leu501Arg)

Gene: SH2B3 (SH2B adaptor protein 3; plus strand). Cytogenetic location: 12q24.12.
Variant type: single nucleotide variant.
Coding change: c.1502T>G on transcript NM_005475.3 (MANE Select); coding-DNA position 1502, T replaced by G.
Protein change: p.Leu501Arg; replaces leucine 501 with arginine.
Molecular consequence: missense variant.
Genome position (GRCh38, 1-based): chr12:111,448,076, T>G. VCF-style: chr12-111448076-T-G. GRCh37 (hg19) VCF-style: chr12-111885880-T-G.
Other names: c.896T>G, p.Leu299Arg (NM_001291424.1); short protein forms L501R, L299R.
Identifiers: ClinVar variation 5029494 (VCV005029494.1).